The following is an entry in ClinVar:

NM_033026.6(PCLO):c.1528C>T (p.Pro510Ser)

Gene: PCLO (piccolo presynaptic cytomatrix protein; minus strand). Cytogenetic location: 7q21.11.
Variant type: single nucleotide variant.
Coding change: c.1528C>T on transcript NM_033026.6 (MANE Select); coding-DNA position 1528, C replaced by T.
Protein change: p.Pro510Ser; replaces proline 510 with serine.
Molecular consequence: missense variant.
Genome position (GRCh38, 1-based): chr7:83,155,113, G>A on the plus strand (C>T on the coding strand, the complement: PCLO is on the minus strand). VCF-style: chr7-83155113-G-A. GRCh37 (hg19) VCF-style: chr7-82784429-G-A.
Other names: c.1528C>T (NM_033026.5); c.1528C>T, p.Pro510Ser (NM_014510.3); short protein forms P510S.
Identifiers: ClinVar variation 2418209 (VCV002418209.4), dbSNP rs529641530, ClinGen allele CA4321426.
Genomic context (GRCh38, chr7:83,155,113, plus strand): 5'-GGGGTTTTGTTGAGCCAGGCTGTTGAGGTGAGGGCTTTGCTGGGCCAGGCTGTTGAGGTG[G>A]GGGTTTTGTTGAGCCAGGCTGTTGAGATGGGGGCTTTGCTGAGCCAGGCTGTTGAGGTGG-3'
Protein context (NP_149015.2, residues 500-520): PSQQPGSTKP[Pro510Ser]PQQPGPAKPS

ClinVar aggregate classification (germline): Uncertain significance. Review status: criteria provided, multiple submitters, no conflicts (2 of 4 stars). 2 submissions from 2 submitters: Uncertain significance (2). Last evaluated 2025-08-29.

Conditions:
Inborn genetic diseases. Identifiers: MedGen C0950123, MeSH D030342.

Allele frequency attached by ClinVar (database versions not stated): gnomAD 0.00002; gnomAD exomes 0.00005; ExAC 0.00012; 1000 Genomes Project 30x 0.00016; 1000 Genomes Project 0.00020.
gnomAD v4.1: 75 of 1,540,740 alleles (0.0049%); highest among the groups gnomAD compares: South Asian, 0.082%; no homozygotes.

Submissions (2):

Ambry Genetics
Classification: Uncertain significance for Inborn genetic diseases. Last evaluated: 2025-08-29. Review status: criteria provided, single submitter. Criteria: Ambry Variant Classification Scheme 2023. Collection method: clinical testing. Allele origin: germline.

Labcorp Genetics (formerly Invitae), Labcorp
Classification: Uncertain significance. Last evaluated: 2022-09-13. Review status: criteria provided, single submitter. Criteria: Invitae Variant Classification Sherloc (09022015). Collection method: clinical testing. Allele origin: germline.
Comment: This sequence change replaces proline, which is neutral and non-polar, with serine, which is neutral and polar, at codon 510 of the PCLO protein (p.Pro510Ser). This variant is present in population databases (rs529641530, gnomAD 0.07%). This variant has not been reported in the literature in individuals affected with PCLO-related conditions. Algorithms developed to predict the effect of missense changes on protein structure and function (SIFT, PolyPhen-2, Align-GVGD) all suggest that this variant is likely to be tolerated. In summary, the available evidence is currently insufficient to determine the role of this variant in disease. Therefore, it has been classified as a Variant of Uncertain Significance.